The following is an entry in ClinVar:

NM_182641.4(BPTF):c.814G>A (p.Ala272Thr)

Gene: BPTF (bromodomain PHD finger transcription factor; plus strand). Cytogenetic location: 17q24.2.
Variant type: single nucleotide variant.
Coding change: c.814G>A on transcript NM_182641.4 (MANE Select); coding-DNA position 814, G replaced by A.
Protein change: p.Ala272Thr; replaces alanine 272 with threonine.
Molecular consequence: missense variant.
Genome position (GRCh38, 1-based): chr17:67,854,140, G>A. VCF-style: chr17-67854140-G-A. GRCh37 (hg19) VCF-style: chr17-65850256-G-A.
Other names: c.814G>A, p.Ala272Thr (NM_004459.7); short protein forms A272T.
Identifiers: ClinVar variation 1700525 (VCV001700525.2), dbSNP rs2144988938, ClinGen allele CA400720012.

ClinVar aggregate classification (germline): Uncertain significance (1 of 4 stars; one submission).

Submission:

GeneDx
Classification: Uncertain significance. Last evaluated: 2022-01-28. Review status: criteria provided, single submitter. Criteria: GeneDx Variant Classification Process June 2021. Collection method: clinical testing. Allele origin: germline. Affected: yes.
Comment: Not observed at significant frequency in large population cohorts (gnomAD); In silico analysis supports that this missense variant has a deleterious effect on protein structure/function; Has not been previously published as pathogenic or benign to our knowledge